The following is an entry in ClinVar:

NC_000003.11:g.(?_193332492)_(193336745_?)del

Gene: OPA1 (OPA1 mitochondrial dynamin like GTPase; plus strand). Cytogenetic location: 3q29.
Variant type: Deletion.
Identifiers: ClinVar variation 2426183 (VCV002426183.4).

ClinVar aggregate classification (germline): Pathogenic (1 of 4 stars; one submission).

Submission:

Labcorp Genetics (formerly Invitae), Labcorp
Classification: Pathogenic. Last evaluated: 2022-04-20. Review status: criteria provided, single submitter. Criteria: Invitae Variant Classification Sherloc (09022015). Collection method: clinical testing. Allele origin: germline.
Comment: This variant is a gross deletion of the genomic region encompassing exon(s) 2-5 of the OPA1 gene. This deletion is out-of-frame, and is expected to create a premature termination codon and result in an absent or disrupted protein product. Loss-of-function variants in OPA1 are known to be pathogenic (PMID: 11440988, 20157015, 20952381, 25012220). A similar copy number variant has been observed in individual(s) with clinical features of autosomal dominant hereditary optic atrophy (PMID: 21457585). For these reasons, this variant has been classified as Pathogenic.

Literature cited by the submitters: PubMed 11440988; PubMed 20157015; PubMed 20952381; PubMed 25012220; PubMed 21457585.